The following is an entry in ClinVar:

ClinVar aggregate classification (germline): Uncertain significance (1 of 4 stars; one submission).

Conditions:
Early-infantile DEE. Also called: Early infantile epileptic encephalopathy; Early infantile epileptic encephalopathy with suppression bursts; Ohtahara syndrome. Identifiers: Orphanet 1934, MedGen C0393706, MONDO:0800491.

Submission:

Labcorp Genetics (formerly Invitae), Labcorp
Classification: Uncertain significance for Early-infantile DEE. Last evaluated: 2020-02-14. Review status: criteria provided, single submitter. Criteria: Invitae Variant Classification Sherloc (09022015). Collection method: clinical testing. Allele origin: germline.
Comment: This variant has not been reported in the literature in individuals with SCN1A-related disease. This variant is not present in population databases (ExAC no frequency). This sequence change replaces isoleucine with threonine at codon 1224 of the SCN1A protein (p.Ile1224Thr). The isoleucine residue is highly conserved and there is a moderate physicochemical difference between isoleucine and threonine. In summary, the available evidence is currently insufficient to determine the role of this variant in disease. Therefore, it has been classified as a Variant of Uncertain Significance. This variant identified in the SCN1A gene is located in the transmembrane spanning D3-S1 region of the resulting protein (PMID: 25348405, 18804930), but it is unclear how this variant impacts the function of this protein. Algorithms developed to predict the effect of missense changes on protein structure and function (SIFT, PolyPhen-2, Align-GVGD) all suggest that this variant is likely to be disruptive, but these predictions have not been confirmed by published functional studies and their clinical significance is uncertain.

Literature cited by the submitters: PubMed 25348405; PubMed 18804930.

NM_001165963.4(SCN1A):c.3671T>C (p.Ile1224Thr)

Genes: SCN1A (sodium voltage-gated channel alpha subunit 1; minus strand), LOC102724058 (uncharacterized LOC102724058; plus strand). Cytogenetic location: 2q24.3.
Variant type: single nucleotide variant.
Coding change: c.3671T>C on transcript NM_001165963.4 (MANE Select); coding-DNA position 3671, T replaced by C.
Protein change: p.Ile1224Thr; replaces isoleucine 1224 with threonine.
Molecular consequence: missense variant. On other transcripts: non-coding transcript variant (1).
Genome position (GRCh38, 1-based): chr2:166,013,778, A>G on the plus strand (T>C on the coding strand, the complement: SCN1A is on the minus strand). VCF-style: chr2-166013778-A-G. GRCh37 (hg19) VCF-style: chr2-166870288-A-G.
Other names: c.3587T>C, p.Ile1196Thr (NM_001165964.3, NM_001353957.2, NM_001353958.2); c.3671T>C, p.Ile1224Thr (NM_001202435.3, NM_001353948.2); c.3638T>C, p.Ile1213Thr (NM_001353949.2, NM_001353950.2, NM_001353951.2 and 2 more transcripts); c.3635T>C, p.Ile1212Thr (NM_001353954.2, NM_001353955.2); c.3584T>C, p.Ile1195Thr (NM_001353960.2); c.1229T>C, p.Ile410Thr (NM_001353961.2); short protein forms I1224T, I1213T, I1212T, I1196T, I410T, I1195T.
Identifiers: ClinVar variation 530448 (VCV000530448.9), dbSNP rs1553532551, ClinGen allele CA349055838.